The following is an entry in ClinVar:

ClinVar aggregate classification (germline): Uncertain significance (1 of 4 stars; one submission).

Conditions:
Giant axonal neuropathy 1 (GAN1). Also called: GIANT AXONAL NEUROPATHY 1, AUTOSOMAL RECESSIVE; GAN-Related Neurodegeneration. Identifiers: Orphanet 643, MedGen C1850386, MONDO:0009749, OMIM 256850.

Allele frequency attached by ClinVar (database versions not stated): gnomAD exomes 0.00001; TOPMed below 0.00001; gnomAD 0.00001.
gnomAD v4.1: 5 of 1,501,374 alleles (0.00033%); highest among the groups gnomAD compares: East Asian, 0.0029%; no homozygotes.

Submission:

Labcorp Genetics (formerly Invitae), Labcorp
Classification: Uncertain significance for Giant axonal neuropathy 1. Last evaluated: 2021-09-02. Review status: criteria provided, single submitter. Criteria: Invitae Variant Classification Sherloc (09022015). Collection method: clinical testing. Allele origin: germline.
Comment: This sequence change replaces alanine with threonine at codon 2 of the GAN protein (p.Ala2Thr). The alanine residue is weakly conserved and there is a small physicochemical difference between alanine and threonine. The frequency data for this variant in the population databases is considered unreliable, as metrics indicate insufficient coverage at this position in the ExAC database. This variant has not been reported in the literature in individuals affected with GAN-related conditions. Algorithms developed to predict the effect of missense changes on protein structure and function (SIFT, PolyPhen-2, Align-GVGD) all suggest that this variant is likely to be tolerated. In summary, the available evidence is currently insufficient to determine the role of this variant in disease. Therefore, it has been classified as a Variant of Uncertain Significance.

NM_022041.4(GAN):c.4G>A (p.Ala2Thr)

Genes: GAN (gigaxonin; plus strand), LOC130059498 (ATAC-STARR-seq lymphoblastoid silent region 7753; plus strand). Cytogenetic location: 16q23.2.
Variant type: single nucleotide variant.
Coding change: c.4G>A on transcript NM_022041.4 (MANE Select); coding-DNA position 4, G replaced by A.
Protein change: p.Ala2Thr; replaces alanine 2 with threonine.
Molecular consequence: missense variant. On other transcripts: 5 prime UTR variant (1).
Genome position (GRCh38, 1-based): chr16:81,315,117, G>A. VCF-style: chr16-81315117-G-A. GRCh37 (hg19) VCF-style: chr16-81348722-G-A.
Other names: c.-521G>A (NM_001377486.1); short protein forms A2T.
Identifiers: ClinVar variation 658302 (VCV000658302.8), dbSNP rs1206106380, ClinGen allele CA396854249.
Genomic context (GRCh38, chr16:81,315,117, plus strand): 5'-GGGTCCGGCCGGACGGTGTCGGGAGCCGGACCCGTCGGCAGAGGAGCGGGCGCCGCGATG[G>A]CTGAGGGCAGTGCCGTGTCTGACCCTCAGCACGCCGCGCGTCTGCTGCGAGCGCTCAGCT-3'
Protein context (NP_071324.1, residues 1-12): M[Ala2Thr]EGSAVSDPQH